The following is an entry in ClinVar:

ClinVar aggregate classification (germline): Pathogenic/Likely pathogenic. Review status: criteria provided, multiple submitters, no conflicts (2 of 4 stars). 3 submissions from 3 submitters: Pathogenic (2); Likely pathogenic (1). Last evaluated 2025-07-24.

Conditions:
Ataxia-telangiectasia syndrome (AT). Also called: Cerebello-oculocutaneous telangiectasia; Immunodeficiency with ataxia telangiectasia; LOUIS-BAR SYNDROME; Ataxia-telangiectasia, complementation group D; AT, COMPLEMENTATION GROUP C; ATAXIA-TELANGIECTASIA, COMPLEMENTATION GROUP A. Identifiers: Orphanet 100, MedGen C0004135, MONDO:0008840, OMIM 208900.
Familial cancer of breast. Also called: hereditary breast carcinoma; BREAST CANCER, FAMILIAL; Hereditary breast cancer. Identifiers: Orphanet 227535, MedGen C0346153, MONDO:0016419, OMIM 114480. Disease mechanism: loss of function.
Hereditary cancer-predisposing syndrome. Also called: Hereditary neoplastic syndrome; Tumor predisposition; Neoplastic Syndromes, Hereditary; Hereditary Cancer Syndrome. Identifiers: Orphanet 140162, MedGen C0027672, MeSH D009386, MONDO:0015356.

Submissions (3):

Ambry Genetics
Classification: Pathogenic for Hereditary cancer-predisposing syndrome. Last evaluated: 2025-07-24. Review status: criteria provided, single submitter. Criteria: Ambry Variant Classification Scheme 2023. Collection method: clinical testing. Allele origin: germline.
Comment: The c.964_968delGAGAT pathogenic mutation, located in coding exon 7 of the ATM gene, results from a deletion of 5 nucleotides at nucleotide positions 964 to 968, causing a translational frameshift with a predicted alternate stop codon (p.E322Kfs*6). This alteration is expected to result in loss of function by premature protein truncation or nonsense-mediated mRNA decay. As such, this alteration is interpreted as a disease-causing mutation.

Labcorp Genetics (formerly Invitae), Labcorp
Classification: Pathogenic for Ataxia-telangiectasia syndrome. Last evaluated: 2023-02-18. Review status: criteria provided, single submitter. Criteria: Invitae Variant Classification Sherloc (09022015). Collection method: clinical testing. Allele origin: germline.
Comment: For these reasons, this variant has been classified as Pathogenic. ClinVar contains an entry for this variant (Variation ID: 481120). This variant has not been reported in the literature in individuals affected with ATM-related conditions. This variant is not present in population databases (gnomAD no frequency). This sequence change creates a premature translational stop signal (p.Glu322Lysfs*6) in the ATM gene. It is expected to result in an absent or disrupted protein product. Loss-of-function variants in ATM are known to be pathogenic (PMID: 23807571, 25614872).

Juno Genomics, Hangzhou Juno Genomics, Inc
Classification: Likely pathogenic for Familial cancer of breast; Ataxia-telangiectasia syndrome. Review status: criteria provided, single submitter. Criteria: ACMG Guidelines, 2015. Collection method: clinical testing. Allele origin: germline.
Comment: Absent from controls (or at extremely low frequency if recessive) in Genome Aggregation Database.;Null variant in a gene where loss of function (LOF) is a known mechanism of disease.

Literature cited by the submitters: PubMed 23807571 (cited by Labcorp Genetics (formerly Invitae), Labcorp); PubMed 25614872 (cited by Labcorp Genetics (formerly Invitae), Labcorp).

NM_000051.4(ATM):c.964_968del (p.Glu322fs)

Gene: ATM (ATM serine/threonine kinase; plus strand). Cytogenetic location: 11q22.3.
Variant type: Deletion.
Coding change: c.964_968del on transcript NM_000051.4 (MANE Select); coding-DNA positions 964 to 968, 5 bases deleted (GAGAT; older notation c.964_968delGAGAT).
Protein change: p.Glu322fs; shifts the reading frame from glutamic acid 322.
Molecular consequence: frameshift variant.
Genome position (GRCh38, 1-based): chr11:108,247,026-108,247,030, GAGAT deleted; deleting any 5 consecutive bases within chr11:108,247,024-108,247,030 gives the same sequence; the c. name uses the placement nearest the transcript's 3' end. VCF-style (leftmost placement, unchanged base first): chr11-108247023-AATGAG-A. GRCh37 (hg19) VCF-style: chr11-108117750-AATGAG-A.
Other names: c.964_968delGAGAT (NM_000051.3); c.964_968del, p.Glu322fs (NM_001351834.2); short protein forms E322fs.
Identifiers: ClinVar variation 481120 (VCV000481120.15), dbSNP rs1555068404, ClinGen allele CA658656195.
Genomic context (GRCh38, chr11:108,247,023, plus strand): 5'-GGTGCTTATGAATCAACAAAATGGAGAAGTATTTTATACAACTTATATGATCTGCTAGTG[AATGAG>A]ATAAGTCATATAGGAAGTAGAGGAAAGTATTCTTCAGGATTTCGTAATATTGCCGTCAAA-3'